The following is an entry in ClinVar:

ClinVar aggregate classification (germline): Uncertain significance (1 of 4 stars; one submission).

Conditions:
Cohen syndrome (COH1). Also called: Cutis verticis gyrata, retinitis pigmentosa, and sensorineural deafness; PEPPER SYNDROME. Identifiers: Orphanet 193, MedGen C0265223, MONDO:0008999, OMIM 216550.

gnomAD v4.1: 1 of 1,614,104 alleles (0.000062%); highest among the groups gnomAD compares: Non-Finnish European, 0.000085%; no homozygotes.

Submission:

Labcorp Genetics (formerly Invitae), Labcorp
Classification: Uncertain significance for Cohen syndrome. Last evaluated: 2022-08-23. Review status: criteria provided, single submitter. Criteria: Invitae Variant Classification Sherloc (09022015). Collection method: clinical testing. Allele origin: germline.
Comment: This sequence change replaces cysteine, which is neutral and slightly polar, with tyrosine, which is neutral and polar, at codon 868 of the VPS13B protein (p.Cys868Tyr). This variant is present in population databases (no rsID available, gnomAD 0.0009%). This variant has not been reported in the literature in individuals affected with VPS13B-related conditions. Algorithms developed to predict the effect of missense changes on protein structure and function are either unavailable or do not agree on the potential impact of this missense change (SIFT: "Not Available"; PolyPhen-2: "Possibly Damaging"; Align-GVGD: "Not Available"). In summary, the available evidence is currently insufficient to determine the role of this variant in disease. Therefore, it has been classified as a Variant of Uncertain Significance.

NM_152564.5(VPS13B):c.2603G>A (p.Cys868Tyr)

Gene: VPS13B (vacuolar protein sorting 13 homolog B; plus strand). Cytogenetic location: 8q22.2.
Variant type: single nucleotide variant.
Coding change: c.2603G>A on transcript NM_152564.5 (MANE Select); coding-DNA position 2603, G replaced by A.
Protein change: p.Cys868Tyr; replaces cysteine 868 with tyrosine.
Molecular consequence: missense variant.
Genome position (GRCh38, 1-based): chr8:99,274,285, G>A. VCF-style: chr8-99274285-G-A. GRCh37 (hg19) VCF-style: chr8-100286513-G-A.
Other names: c.2603G>A, p.Cys868Tyr (NM_017890.5); short protein forms C868Y.
Identifiers: ClinVar variation 2110096 (VCV002110096.1), dbSNP rs1466327941, ClinGen allele CA371862275.